The following is an entry in ClinVar:

NM_016169.4(SUFU):c.21C>A (p.Ser7Arg)

Genes: SUFU (SUFU negative regulator of hedgehog signaling; plus strand), LOC130004614 (ATAC-STARR-seq lymphoblastoid silent region 2764; plus strand). Cytogenetic location: 10q24.32.
Variant type: single nucleotide variant.
Coding change: c.21C>A on transcript NM_016169.4 (MANE Select); coding-DNA position 21, C replaced by A.
Protein change: p.Ser7Arg; replaces serine 7 with arginine.
Molecular consequence: missense variant.
Genome position (GRCh38, 1-based): chr10:102,504,173, C>A. VCF-style: chr10-102504173-C-A. GRCh37 (hg19) VCF-style: chr10-104263930-C-A.
Other names: c.21C>A, p.Ser7Arg (NM_001178133.2); short protein forms S7R.
Identifiers: ClinVar variation 1380808 (VCV001380808.8), dbSNP rs2135597167, ClinGen allele CA377886118.
Genomic context (GRCh38, chr10:102,504,173, plus strand): 5'-GCCCTCTCCAGTTCCCCCAGTGCCTGCCCTACGCACCCCGATGGCGGAGCTGCGGCCTAG[C>A]GGCGCCCCCGGCCCCACCGCGCCCCCGGCCCCTGGCCCGACTGCCCCCCCGGCCTTCGCT-3'
Protein context (NP_057253.2, residues 1-17): MAELRP[Ser7Arg]GAPGPTAPPA

ClinVar aggregate classification (germline): Uncertain significance. Review status: criteria provided, multiple submitters, no conflicts (2 of 4 stars). 2 submissions from 2 submitters: Uncertain significance (2). Last evaluated 2022-10-20.

Conditions:
Gorlin syndrome. Also called: Basal cell nevus syndrome; Nevoid Basal Cell Carcinoma Syndrome. Identifiers: Orphanet 377, MedGen C0004779, MONDO:0007187.
Medulloblastoma (MDB). Also called: MEDULLOBLASTOMA PREDISPOSITION SYNDROME; Medulloblastoma, somatic. Identifiers: Orphanet 616, MedGen C0025149, MeSH D008527, MONDO:0007959, OMIM 155255, HP:0002885.
Hereditary cancer-predisposing syndrome. Also called: Tumor predisposition; Hereditary neoplastic syndrome; Neoplastic Syndromes, Hereditary; Hereditary Cancer Syndrome. Identifiers: Orphanet 140162, MedGen C0027672, MeSH D009386, MONDO:0015356.

Submissions (2):

Ambry Genetics
Classification: Uncertain significance for Hereditary cancer-predisposing syndrome. Last evaluated: 2022-10-20. Review status: criteria provided, single submitter. Criteria: Ambry Variant Classification Scheme 2023. Collection method: clinical testing. Allele origin: germline.
Comment: The p.S7R variant (also known as c.21C>A), located in coding exon 1 of the SUFU gene, results from a C to A substitution at nucleotide position 21. The serine at codon 7 is replaced by arginine, an amino acid with dissimilar properties. This amino acid position is conserved. In addition, this alteration is predicted to be tolerated by in silico analysis. Since supporting evidence is limited at this time, the clinical significance of this alteration remains unclear.

Labcorp Genetics (formerly Invitae), Labcorp
Classification: Uncertain significance for Gorlin syndrome; Medulloblastoma. Last evaluated: 2021-09-21. Review status: criteria provided, single submitter. Criteria: Invitae Variant Classification Sherloc (09022015). Collection method: clinical testing. Allele origin: germline.
Comment: In summary, the available evidence is currently insufficient to determine the role of this variant in disease. Therefore, it has been classified as a Variant of Uncertain Significance. Algorithms developed to predict the effect of missense changes on protein structure and function are either unavailable or do not agree on the potential impact of this missense change (SIFT: "Tolerated"; PolyPhen-2: "Possibly Damaging"; Align-GVGD: "Class C0"). This variant has not been reported in the literature in individuals affected with SUFU-related conditions. The frequency data for this variant in the population databases is considered unreliable, as metrics indicate insufficient coverage at this position in the ExAC database. This sequence change replaces serine with arginine at codon 7 of the SUFU protein (p.Ser7Arg). The serine residue is moderately conserved and there is a moderate physicochemical difference between serine and arginine.